The following is an entry in ClinVar:

ClinVar aggregate classification (germline): Benign/Likely benign. Review status: criteria provided, multiple submitters, no conflicts (2 of 4 stars). 2 submissions from 2 submitters: Benign (1); Likely benign (1). Last evaluated 2025-04-30.

Allele frequency attached by ClinVar (database versions not stated): 1000 Genomes Project 0.00280; TOPMed 0.00303; 1000 Genomes Project 30x 0.00344; ESP Exome Variant Server 0.00400.
gnomAD v4.1: 824 of 1,607,620 alleles (0.051%); highest among the groups gnomAD compares: African/African-American, 0.97%; 1 homozygote.

Submissions (2):

Labcorp Genetics (formerly Invitae), Labcorp
Classification: Benign. Last evaluated: 2025-04-30. Review status: criteria provided, single submitter. Criteria: Invitae Variant Classification Sherloc (09022015). Collection method: clinical testing. Allele origin: germline.

GeneDx
Classification: Likely benign. Last evaluated: 2019-08-16. Review status: criteria provided, single submitter. Criteria: GeneDx Variant Classification Process June 2021. Collection method: clinical testing. Allele origin: germline. Affected: yes.
Comment: See Variant Classification Assertion Criteria.

NM_001204424.2(RGS6):c.184+7C>T

Gene: RGS6 (regulator of G protein signaling 6; plus strand). Cytogenetic location: 14q24.2.
Variant type: single nucleotide variant.
Coding change: c.184+7C>T on transcript NM_001204424.2 (MANE Select); 7 bases into the intron after coding-DNA position 184, C replaced by T.
Molecular consequence: intron variant.
Genome position (GRCh38, 1-based): chr14:72,352,201, C>T. VCF-style: chr14-72352201-C-T. GRCh37 (hg19) VCF-style: chr14-72818909-C-T.
Other names: c.184+7C>T (NM_001370270.1, NM_001370289.1, NM_001370282.1 and 29 more transcripts); c.79+7C>T (NM_001204423.2).
Identifiers: ClinVar variation 707930 (VCV000707930.8), dbSNP rs112696041, ClinGen allele CA7253723.
Genomic context (GRCh38, chr14:72,352,201, plus strand): 5'-TGCCCATCAGAACAGTCAAGAGCTTTCTCTCCAAAATCCCCAGTGTCGTCACAGGTAACA[C>T]CCTCCTTGCAAGGTGTTGGTAACAGTCAGAACTACCAAAGAGTTATAAGTCTAGATTGCG-3'